The following is an entry in ClinVar:

NM_015267.4(CUX2):c.386G>C (p.Arg129Pro)

Gene: CUX2 (cut like homeobox 2; plus strand). Cytogenetic location: 12q24.11.
Variant type: single nucleotide variant.
Coding change: c.386G>C on transcript NM_015267.4 (MANE Select); coding-DNA position 386, G replaced by C.
Protein change: p.Arg129Pro; replaces arginine 129 with proline.
Molecular consequence: missense variant.
Genome position (GRCh38, 1-based): chr12:111,291,502, G>C. VCF-style: chr12-111291502-G-C. GRCh37 (hg19) VCF-style: chr12-111729306-G-C.
Other names: c.200G>C, p.Arg67Pro (NM_001370598.1); short protein forms R129P, R67P.
Identifiers: ClinVar variation 3366837 (VCV003366837.1).

ClinVar aggregate classification (germline): Uncertain significance (1 of 4 stars; one submission).

Submission:

Women's Health and Genetics/Laboratory Corporation of America, LabCorp
Classification: Uncertain significance. Last evaluated: 2024-08-13. Review status: criteria provided, single submitter. Criteria: LabCorp Variant Classification Summary - May 2015. Collection method: clinical testing. Allele origin: germline.
Comment: Variant summary: CUX2 c.386G>C (p.Arg129Pro) results in a non-conservative amino acid change in the encoded protein sequence. Three of five in-silico tools predict a benign effect of the variant on protein function. The variant was absent in 246600 control chromosomes. The available data on variant occurrences in the general population are insufficient to allow any conclusion about variant significance. To our knowledge, no occurrence of c.386G>C in individuals affected with Early Infantile Epileptic Encephalopathy, Autosomal Dominant and no experimental evidence demonstrating its impact on protein function have been reported. No submitters have cited clinical-significance assessments for this variant to ClinVar. Based on the evidence outlined above, the variant was classified as uncertain significance.